The following is an entry in ClinVar:

NM_024426.6(WT1):c.749A>G (p.Lys250Arg)

Gene: WT1 (WT1 transcription factor; minus strand). Cytogenetic location: 11p13.
Variant type: single nucleotide variant.
Coding change: c.749A>G on transcript NM_024426.6 (MANE Select); coding-DNA position 749, A replaced by G.
Protein change: p.Lys250Arg; replaces lysine 250 with arginine.
Molecular consequence: missense variant. On other transcripts: non-coding transcript variant (2), intron variant (2), 5 prime UTR variant (1).
Genome position (GRCh38, 1-based): chr11:32,428,532, T>C on the plus strand (A>G on the coding strand, the complement: WT1 is on the minus strand). VCF-style: chr11-32428532-T-C. GRCh37 (hg19) VCF-style: chr11-32450078-T-C.
Other names: c.749A>G, p.Lys250Arg (NM_000378.6, NM_024424.5, NM_001407044.1 and 4 more transcripts); c.98A>G, p.Lys33Arg (NM_001198551.2, NM_001198552.2); c.530A>G, p.Lys177Arg (NM_001429034.1, NM_001429031.1, NM_001429032.1 and 1 more transcripts); c.662-474A>G (NM_001407050.1, NM_001407047.1); c.-14A>G (NM_001407051.1); short protein forms K33R, K177R, K245R, K250R.
Identifiers: ClinVar variation 5032037 (VCV005032037.1).

ClinVar aggregate classification (germline): Uncertain significance (1 of 4 stars; one submission).

Conditions:
Inborn genetic diseases. Identifiers: MedGen C0950123, MeSH D030342.

Submission:

Ambry Genetics
Classification: Uncertain significance for Inborn genetic diseases. Last evaluated: 2026-07-07. Review status: criteria provided, single submitter. Criteria: Ambry Variant Classification Scheme 2023. Collection method: clinical testing. Allele origin: germline.
Comment: The p.K245R variant (also known as c.734A>G), located in coding exon 2 of the WT1 gene, results from an A to G substitution at nucleotide position 734. The lysine at codon 245 is replaced by arginine, an amino acid with highly similar properties. This amino acid position is conserved. In addition, the in silico prediction for this alteration is inconclusive. Based on the available evidence, the clinical significance of this variant remains unclear.